The following is an entry in ClinVar:

NM_001012759.3(CTU2):c.737+20_737+21insTTCCCCGGGCCCTGACCCCCACTCATGCCCCTGAGAGCCCCCCTTCCCCGGGCCCTGACCCCCACTCATGCCCCTGAGAGC

Gene: CTU2 (cytosolic thiouridylase subunit 2; plus strand). Cytogenetic location: 16q24.3.
Variant type: Insertion.
Coding change: c.737+20_737+21insTTCCCCGGGCCCTGACCCCCACTCATGCCCCTGAGAGCCCCCCTTCCCCGGGCCCTGACCCCCACTCATGCCCCTGAGAGC on transcript NM_001012759.3 (MANE Select); bases 20 to 21 of the intron after coding-DNA position 737, TTCCCCGGGCCCTGACCCCCACTCATGCCCCTGAGAGCCCCCCTTCCCCGGGCCCTGACCCCCACTCATGCCCCTGAGAGC inserted.
Molecular consequence: intron variant.
Genome position: GRCh38: chr16:88,712,925-88,712,926. GRCh37 (hg19): chr16:88,779,333-88,779,334.
Other names: c.950+20_950+21insTTCCCCGGGCCCTGACCCCCACTCATGCCCCTGAGAGCCCCCCTTCCCCGGGCCCTGACCCCCACTCATGCCCCTGAGAGC (NM_001318507.2); c.737+20_737+21insTTCCCCGGGCCCTGACCCCCACTCATGCCCCTGAGAGCCCCCCTTCCCCGGGCCCTGACCCCCACTCATGCCCCTGAGAGC (NM_001012762.3); c.476+20_476+21insTTCCCCGGGCCCTGACCCCCACTCATGCCCCTGAGAGCCCCCCTTCCCCGGGCCCTGACCCCCACTCATGCCCCTGAGAGC (NM_001318513.2).
Identifiers: ClinVar variation 4726366 (VCV004726366.1).

ClinVar aggregate classification (germline): Uncertain significance (1 of 4 stars; one submission).

Submission:

Labcorp Genetics (formerly Invitae), Labcorp
Classification: Uncertain significance. Last evaluated: 2026-01-18. Review status: criteria provided, single submitter. Criteria: Invitae Variant Classification Sherloc (09022015). Collection method: clinical testing. Allele origin: germline.
Comment: This sequence change falls in intron 7 of the CTU2 gene. It does not directly change the encoded amino acid sequence of the CTU2 protein. This variant is not present in population databases (gnomAD no frequency). This variant has not been reported in the literature in individuals affected with CTU2-related conditions. Experimental studies and prediction algorithms are not available or were not evaluated, and the effect of this variant on mRNA splicing is currently unknown. In summary, the available evidence is currently insufficient to determine the role of this variant in disease. Therefore, it has been classified as a Variant of Uncertain Significance.